The following is an entry in ClinVar:

ClinVar aggregate classification (germline): Pathogenic. Review status: criteria provided, single submitter (1 of 4 stars). 4 submissions from 4 submitters: Pathogenic (1). 3 of the submissions do not count toward it. Last evaluated 2025-02-26.

Conditions:
Early-infantile DEE. Also called: Ohtahara syndrome; Early infantile epileptic encephalopathy with suppression bursts; Early infantile epileptic encephalopathy. Identifiers: Orphanet 1934, MedGen C0393706, MONDO:0800491.
Developmental and epileptic encephalopathy, 13 (DEE13). Also called: Early infantile epileptic encephalopathy 13; SCN8A-Related Epilepsy; Developmental and Epileptic Encephalopathy (SCN8A-DEE). Identifiers: Orphanet 442835, MedGen C3281191, MONDO:0013801, OMIM 614558.

Submissions (4):

Labcorp Genetics (formerly Invitae), Labcorp
Classification: Pathogenic for Early-infantile DEE. Last evaluated: 2025-02-26. Review status: criteria provided, single submitter. Criteria: Invitae Variant Classification Sherloc (09022015). Collection method: clinical testing. Allele origin: germline.
Comment: This sequence change replaces serine, which is neutral and polar, with cysteine, which is neutral and slightly polar, at codon 1596 of the SCN8A protein (p.Ser1596Cys). This variant is not present in population databases (gnomAD no frequency). This missense change has been observed in individual(s) with SCN8A-related conditions (PMID: 25785782, 26252990). In at least one individual the variant was observed to be de novo. ClinVar contains an entry for this variant (Variation ID: 253290). Invitae Evidence Modeling of protein sequence and biophysical properties (such as structural, functional, and spatial information, amino acid conservation, physicochemical variation, residue mobility, and thermodynamic stability) indicates that this missense variant is expected to disrupt SCN8A protein function with a positive predictive value of 95%. For these reasons, this variant has been classified as Pathogenic.

Diagnostic Laboratory, Department of Genetics, University Medical Center Groningen
Classification: Pathogenic. Review status: no assertion criteria provided. Collection method: clinical testing. Allele origin: germline. Affected: yes. Study: VKGL Data-share Consensus. Not counted in ClinVar's aggregate classification.

GeneReviews
No classification provided. Condition: Developmental and epileptic encephalopathy, 13. Review status: no classification provided. Collection method: literature only. Allele origin: germline. Affected: yes. Not counted in ClinVar's aggregate classification.

Genome Diagnostics Laboratory, University Medical Center Utrecht
Classification: Pathogenic. Review status: no assertion criteria provided. Collection method: clinical testing. Allele origin: germline. Affected: yes. Study: VKGL Data-share Consensus. Not counted in ClinVar's aggregate classification.

Literature cited by the submitters: PubMed 25785782 (cited by Labcorp Genetics (formerly Invitae), Labcorp); PubMed 26252990 (cited by Labcorp Genetics (formerly Invitae), Labcorp); PubMed 26297079 (cited by GeneReviews); PubMed 26235739 (cited by GeneReviews); NCBI Bookshelf NBK379665 (cited by GeneReviews).

NM_001330260.2(SCN8A):c.4787C>G (p.Ser1596Cys)

Gene: SCN8A (sodium voltage-gated channel alpha subunit 8; plus strand). Cytogenetic location: 12q13.13.
Variant type: single nucleotide variant.
Coding change: c.4787C>G on transcript NM_001330260.2 (MANE Select); coding-DNA position 4787, C replaced by G.
Protein change: p.Ser1596Cys; replaces serine 1596 with cysteine.
Molecular consequence: missense variant.
Genome position (GRCh38, 1-based): chr12:51,794,633, C>G. VCF-style: chr12-51794633-C-G. GRCh37 (hg19) VCF-style: chr12-52188417-C-G.
Other names: c.4664C>G, p.Ser1555Cys (NM_001177984.3, NM_001369788.1); c.4787C>G, p.Ser1596Cys (NM_014191.4); short protein forms S1596C, S1555C.
Identifiers: ClinVar variation 253290 (VCV000253290.14), dbSNP rs879255705, ClinGen allele CA10586296.